The following is an entry in ClinVar:

ClinVar aggregate classification (germline): Likely pathogenic. Review status: criteria provided, multiple submitters, no conflicts (2 of 4 stars). 2 submissions from 2 submitters: Likely pathogenic (2). Last evaluated 2024-12-06.

Conditions:
Severe early-childhood-onset retinal dystrophy (STGD1). Also called: Stargardt macular dystrophy; Juvenile onset macular degeneration; Stargardt disease 1; MACULAR DYSTROPHY WITH FLECKS, TYPE 1; STGD. Identifiers: Orphanet 364055, Orphanet 827, MedGen C1855465, MeSH D000080362, MONDO:0009549, OMIM 248200.
ABCA4-related disorder. Also called: ABCA4-related condition; ABCA4-related disorders. Identifiers: MedGen CN239167.

Submissions (2):

3billion
Classification: Likely pathogenic for Severe early-childhood-onset retinal dystrophy. Last evaluated: 2024-12-06. Review status: criteria provided, single submitter. Criteria: ACMG Guidelines, 2015. Collection method: clinical testing. Allele origin: germline. Affected: yes.
Comment: The variant is not observed in the gnomAD v4.1.0 dataset. Predicted Consequence/Location: Stop-gained (nonsense): predicted to result in a loss or disruption of normal protein function through nonsense-mediated decay (NMD) or protein truncation. Multiple pathogenic variants are reported downstream of the variant. Therefore, this variant is classified as Likely pathogenic according to the recommendation of ACMG/AMP guideline.

Blueprint Genetics
Classification: Likely pathogenic for ABCA4-related disorders. Last evaluated: 2023-06-19. Review status: criteria provided, single submitter. Criteria: ACMG Guidelines, 2015. Collection method: clinical testing. Allele origin: germline. Affected: yes. Observed: 1 variant allele.

NM_000350.3(ABCA4):c.3199C>T (p.Gln1067Ter)

Gene: ABCA4 (ATP binding cassette subfamily A member 4; minus strand). Cytogenetic location: 1p22.1.
Variant type: single nucleotide variant.
Coding change: c.3199C>T on transcript NM_000350.3 (MANE Select); coding-DNA position 3199, C replaced by T.
Protein change: p.Gln1067Ter; replaces glutamine 1067 with a stop codon.
Molecular consequence: nonsense.
Genome position (GRCh38, 1-based): chr1:94,042,890, G>A on the plus strand (C>T on the coding strand, the complement: ABCA4 is on the minus strand). VCF-style: chr1-94042890-G-A. GRCh37 (hg19) VCF-style: chr1-94508446-G-A.
Other names: c.2977C>T, p.Gln993Ter (NM_001425324.1); short protein forms Q1067*, Q993*.
Identifiers: ClinVar variation 4293293 (VCV004293293.2).